The following is an entry in ClinVar:

NM_000321.3(RB1):c.1536G>T (p.Leu512Phe)

Gene: RB1 (RB transcriptional corepressor 1; plus strand). Cytogenetic location: 13q14.2.
Variant type: single nucleotide variant.
Coding change: c.1536G>T on transcript NM_000321.3 (MANE Select); coding-DNA position 1536, G replaced by T.
Protein change: p.Leu512Phe; replaces leucine 512 with phenylalanine.
Molecular consequence: missense variant.
Genome position (GRCh38, 1-based): chr13:48,381,284, G>T. VCF-style: chr13-48381284-G-T. GRCh37 (hg19) VCF-style: chr13-48955420-G-T.
Other names: short protein forms L512F.
Identifiers: ClinVar variation 1348485 (VCV001348485.8), dbSNP rs879124999, ClinGen allele CA249281930.

ClinVar aggregate classification (germline): Uncertain significance (1 of 4 stars; one submission).

Conditions:
Retinoblastoma (RB1). Also called: RETINOBLASTOMA, SOMATIC. Identifiers: Orphanet 790, MedGen C0035335, MeSH D012175, MONDO:0008380, OMIM 180200, HP:0009919. Disease mechanism: loss of function. Inheritance: Both sporadic and heritable forms are tested..

Submission:

Labcorp Genetics (formerly Invitae), Labcorp
Classification: Uncertain significance for Retinoblastoma. Last evaluated: 2021-04-14. Review status: criteria provided, single submitter. Criteria: Invitae Variant Classification Sherloc (09022015). Collection method: clinical testing. Allele origin: germline.
Comment: In summary, the available evidence is currently insufficient to determine the role of this variant in disease. Therefore, it has been classified as a Variant of Uncertain Significance. Algorithms developed to predict the effect of missense changes on protein structure and function are either unavailable or do not agree on the potential impact of this missense change (SIFT: "Deleterious"; PolyPhen-2: "Probably Damaging"; Align-GVGD: "Class C15"). This variant has not been reported in the literature in individuals with RB1-related conditions. This variant is not present in population databases (ExAC no frequency). This sequence change replaces leucine with phenylalanine at codon 512 of the RB1 protein (p.Leu512Phe). The leucine residue is highly conserved and there is a small physicochemical difference between leucine and phenylalanine.